The following is an entry in ClinVar:

ClinVar aggregate classification (germline): Uncertain significance (1 of 4 stars; one submission).

Conditions:
Charlevoix-Saguenay spastic ataxia (SACS). Also called: SPASTIC ATAXIA 6, AUTOSOMAL RECESSIVE; AUTOSOMAL RECESSIVE SPASTIC ATAXIA OF CHARLEVOIX-SAGUENAY; Spastic ataxia of Charlevoix-Saguenay. Identifiers: Orphanet 98, MedGen C1849140, MONDO:0010041, OMIM 270550.

Submission:

3billion
Classification: Uncertain significance for Charlevoix-Saguenay spastic ataxia. Last evaluated: 2024-09-05. Review status: criteria provided, single submitter. Criteria: ACMG Guidelines, 2015. Collection method: clinical testing. Allele origin: germline. Affected: yes.
Comment: The variant is not observed in the gnomAD v4.0.0 dataset. Predicted Consequence/Location: Missense variant. The majority of the known disease-causing variants of this gene are variants expected to result in premature termination of the protein. In silico tool predictions suggest damaging effect of the variant on gene or gene product [REVEL: 0.63 (>=0.6, sensitivity 0.68 and specificity 0.92)]. Therefore, this variant is classified as VUS according to the recommendation of ACMG/AMP guideline.

NM_014363.6(SACS):c.10892A>G (p.His3631Arg)

Gene: SACS (sacsin molecular chaperone; minus strand). Cytogenetic location: 13q12.12.
Variant type: single nucleotide variant.
Coding change: c.10892A>G on transcript NM_014363.6 (MANE Select); coding-DNA position 10892, A replaced by G.
Protein change: p.His3631Arg; replaces histidine 3631 with arginine.
Molecular consequence: missense variant.
Genome position (GRCh38, 1-based): chr13:23,332,984, T>C on the plus strand (A>G on the coding strand, the complement: SACS is on the minus strand). VCF-style: chr13-23332984-T-C. GRCh37 (hg19) VCF-style: chr13-23907123-T-C.
Other names: c.10451A>G, p.His3484Arg (NM_001278055.2); c.10919A>G, p.His3640Arg (NM_001437336.1); short protein forms H3484R, H3631R, H3640R.
Identifiers: ClinVar variation 4292461 (VCV004292461.1).